The following is an entry in ClinVar:

NM_182760.4(SUMF1):c.519+1G>A

Gene: SUMF1 (sulfatase modifying factor 1; minus strand). Cytogenetic location: 3p26.1.
Variant type: single nucleotide variant.
Coding change: c.519+1G>A on transcript NM_182760.4 (MANE Select); the canonical splice donor site of the intron after coding-DNA position 519, G replaced by A.
Molecular consequence: splice donor variant. On other transcripts: intron variant (1).
Genome position (GRCh38, 1-based): chr3:4,449,265, C>T on the plus strand (G>A on the coding strand, the complement: SUMF1 is on the minus strand). VCF-style: chr3-4449265-C-T. GRCh37 (hg19) VCF-style: chr3-4490949-C-T.
Other names: c.444+3611G>A (NM_001164674.2); c.519+1G>A (NM_001164675.2).
Identifiers: ClinVar variation 4816996 (VCV004816996.1).
Genomic context (GRCh38, chr3:4,449,265, plus strand): 5'-CACCCAAACCCTTTTCAATGAGCCTTAGAGAAATACAGGAGCCTGTTGAAACATTACTTA[C>T]TGCCTGTTGAATATTGGTCTTCACTTGCTCACTCAACATGCCTTCAAAGACAAAGGAGTC-3'

ClinVar aggregate classification (germline): Likely pathogenic (1 of 4 stars; one submission).

Conditions:
Multiple sulfatase deficiency (MSD). Also called: Mucosulfatidosis; Multiple Sulfatase Deficiency Disease; Sulfatidosis, Juvenile, Austin Type. Identifiers: Orphanet 585, MedGen C0268263, MONDO:0010088, OMIM 272200.

gnomAD v4.1: 2 of 1,614,012 alleles (0.00012%); highest among the groups gnomAD compares: Non-Finnish European, 0.00017%; no homozygotes.

Submission:

Natera, Inc.
Classification: Likely pathogenic for Multiple sulfatase deficiency. Last evaluated: 2024-12-16. Review status: criteria provided, single submitter. Criteria: Natera Variant Classification Schema (03/2026). Collection method: clinical testing. Allele origin: germline.
Comment: The c.519+1G>A variant in SUMF1 is a canonical splice donor site variant predicted to affect pre-mRNA splicing, which may result in an abnormal transcript and altered protein product. This variant is expected to result in nonsense mediated decay, truncation, or a dysfunctional protein product. This variant is rare in the general population with a frequency below the threshold expected for the associated phenotype(s). Given the available evidence, this variant is classified as Likely Pathogenic.